The following is an entry in ClinVar:

ClinVar aggregate classification (germline): Uncertain significance. Review status: criteria provided, multiple submitters, no conflicts (2 of 4 stars). 2 submissions from 2 submitters: Uncertain significance (2). Last evaluated 2025-08-30.

Conditions:
Inborn genetic diseases. Identifiers: MedGen C0950123, MeSH D030342.
Muscular dystrophy-dystroglycanopathy (congenital with brain and eye anomalies), type A2. Also called: MUSCULAR DYSTROPHY-DYSTROGLYCANOPATHY (CONGENITAL WITH BRAIN AND EYE ANOMALIES), TYPE A, 2; WALKER-WARBURG SYNDROME OR MUSCLE-EYE-BRAIN DISEASE, POMT2-RELATED. Identifiers: Orphanet 588, Orphanet 899, MedGen C3150411, MONDO:0013154, OMIM 613150.
Autosomal recessive limb-girdle muscular dystrophy type 2N. Also called: MUSCULAR DYSTROPHY-DYSTROGLYCANOPATHY, LIMB-GIRDLE, POMT2-RELATED; Muscular dystrophy-dystroglycanopathy (limb-girdle), type C, 2. Identifiers: Orphanet 206559, MedGen C3150418, MONDO:0013162, OMIM 613158.
Muscular dystrophy-dystroglycanopathy (congenital with impaired intellectual development), type B, 2. Also called: MUSCULAR DYSTROPHY, CONGENITAL, POMT2-RELATED; Muscular dystrophy-dystroglycanopathy (congenital with intellectual disability), type B2. Identifiers: MedGen C3150416, MONDO:0013160, OMIM 613156.

Allele frequency attached by ClinVar (database versions not stated): gnomAD exomes below 0.00001; TOPMed 0.00001.
gnomAD v4.1: 2 of 1,603,130 alleles (0.00012%); highest among the groups gnomAD compares: Non-Finnish European, 0.000085%; no homozygotes.

Submissions (2):

Ambry Genetics
Classification: Uncertain significance for Inborn genetic diseases. Last evaluated: 2025-08-30. Review status: criteria provided, single submitter. Criteria: Ambry Variant Classification Scheme 2023. Collection method: clinical testing. Allele origin: germline.

Labcorp Genetics (formerly Invitae), Labcorp
Classification: Uncertain significance for Muscular dystrophy-dystroglycanopathy (congenital with impaired intellectual development), type B, 2; Muscular dystrophy-dystroglycanopathy (congenital with brain and eye anomalies), type A2; Autosomal recessive limb-girdle muscular dystrophy type 2N. Last evaluated: 2021-08-27. Review status: criteria provided, single submitter. Criteria: Invitae Variant Classification Sherloc (09022015). Collection method: clinical testing. Allele origin: germline.
Comment: This sequence change replaces alanine with valine at codon 368 of the POMT2 protein (p.Ala368Val). The alanine residue is highly conserved and there is a small physicochemical difference between alanine and valine. This variant is not present in population databases (ExAC no frequency). This variant has not been reported in the literature in individuals affected with POMT2-related conditions. Algorithms developed to predict the effect of missense changes on protein structure and function are either unavailable or do not agree on the potential impact of this missense change (SIFT: "Deleterious"; PolyPhen-2: "Possibly Damaging"; Align-GVGD: "Class C0"). In summary, the available evidence is currently insufficient to determine the role of this variant in disease. Therefore, it has been classified as a Variant of Uncertain Significance.

NM_013382.7(POMT2):c.1103C>T (p.Ala368Val)

Gene: POMT2 (protein O-mannosyltransferase 2; minus strand). Cytogenetic location: 14q24.3.
Variant type: single nucleotide variant.
Coding change: c.1103C>T on transcript NM_013382.7 (MANE Select); coding-DNA position 1103, C replaced by T.
Protein change: p.Ala368Val; replaces alanine 368 with valine.
Molecular consequence: missense variant.
Genome position (GRCh38, 1-based): chr14:77,296,177, G>A on the plus strand (C>T on the coding strand, the complement: POMT2 is on the minus strand). VCF-style: chr14-77296177-G-A. GRCh37 (hg19) VCF-style: chr14-77762520-G-A.
Other names: c.1103C>T (NM_013382.5); short protein forms A368V.
Identifiers: ClinVar variation 1354576 (VCV001354576.6), dbSNP rs1890820771, ClinGen allele CA390519448.